The following is an entry in ClinVar:

NM_006901.4(MYO9A):c.3964C>T (p.Pro1322Ser)

Gene: MYO9A (myosin IXA; minus strand). Cytogenetic location: 15q23.
Variant type: single nucleotide variant.
Coding change: c.3964C>T on transcript NM_006901.4 (MANE Select); coding-DNA position 3964, C replaced by T.
Protein change: p.Pro1322Ser; replaces proline 1322 with serine.
Molecular consequence: missense variant.
Genome position (GRCh38, 1-based): chr15:71,898,539, G>A on the plus strand (C>T on the coding strand, the complement: MYO9A is on the minus strand). VCF-style: chr15-71898539-G-A. GRCh37 (hg19) VCF-style: chr15-72190880-G-A.
Other names: c.3964C>T (NM_006901.3); short protein forms P1322S.
Identifiers: ClinVar variation 2519044 (VCV002519044.4), dbSNP rs141518263, ClinGen allele CA7641485.

ClinVar aggregate classification (germline): Uncertain significance. Review status: criteria provided, multiple submitters, no conflicts (2 of 4 stars). 2 submissions from 2 submitters: Uncertain significance (2). Last evaluated 2026-09-09.

Conditions:
MYO9A-related disorder. Also called: MYO9A-related condition.
Inborn genetic diseases. Identifiers: MedGen C0950123, MeSH D030342.

Allele frequency attached by ClinVar (database versions not stated): gnomAD exomes 0.00001; ExAC 0.00002; ESP Exome Variant Server 0.00008; gnomAD 0.00013; TOPMed 0.00026.

Submissions (2):

PreventionGenetics, part of Exact Sciences
Classification: Uncertain significance for MYO9A-related condition. Last evaluated: 2026-09-09. Review status: criteria provided, single submitter. Criteria: ACMG Guidelines, 2015. Collection method: clinical testing. Allele origin: germline.
Comment: The MYO9A c.3964C>T variant is predicted to result in the amino acid substitution p.Pro1322Ser. To our knowledge, this variant has not been reported in the literature. This variant is reported in 0.0056% of alleles in individuals of Latino descent in gnomAD. At this time, the clinical significance of this variant is uncertain due to the absence of conclusive functional and genetic evidence.

Ambry Genetics
Classification: Uncertain significance for Inborn genetic diseases. Last evaluated: 2025-04-11. Review status: criteria provided, single submitter. Criteria: Ambry Variant Classification Scheme 2023. Collection method: clinical testing. Allele origin: germline.